The following is an entry in ClinVar:

ClinVar aggregate classification (germline): Likely benign (1 of 4 stars; one submission).

Conditions:
PLXNA3-related disorder. Also called: PLXNA3-related condition.

gnomAD v4.1: 2 of 1,200,546 alleles (0.00017%); highest among the groups gnomAD compares: African/African-American, 0.0017%; no homozygotes.

Submission:

PreventionGenetics, part of Exact Sciences
Classification: Likely benign for PLXNA3-related condition. Last evaluated: 2026-05-12. Review status: criteria provided, single submitter. Criteria: ACMG Guidelines, 2015. Collection method: clinical testing. Allele origin: germline.
Comment: This variant is classified as likely benign based on ACMG/AMP sequence variant interpretation guidelines (Richards et al. 2015 PMID: 25741868, with internal and published modifications).

NM_017514.5(PLXNA3):c.6C>G (p.Pro2=)

Gene: PLXNA3 (plexin A3; plus strand). Cytogenetic location: Xq28.
Variant type: single nucleotide variant.
Coding change: c.6C>G on transcript NM_017514.5 (MANE Select); coding-DNA position 6, C replaced by G.
Protein change: p.Pro2=; no amino-acid change (proline 2 retained).
Molecular consequence: synonymous variant.
Genome position (GRCh38, 1-based): chrX:154,460,189, C>G. VCF-style: chrX-154460189-C-G. GRCh37 (hg19) VCF-style: chrX-153688529-C-G.
Identifiers: ClinVar variation 4998011 (VCV004998011.1).